The following is an entry in ClinVar:

ClinVar aggregate classification (germline): Likely pathogenic (1 of 4 stars; one submission).

Conditions:
Glycogen storage disease IXa1. Also called: LIVER GLYCOGENOSIS, X-LINKED, TYPE I; GLYCOGEN STORAGE DISEASE VIII; GSD VIII; Glycogen storage disease 8. Identifiers: Orphanet 264580, MedGen C3694531, MONDO:0010598, OMIM 306000.

Submission:

Labcorp Genetics (formerly Invitae), Labcorp
Classification: Likely pathogenic for Glycogen storage disease IXa1. Last evaluated: 2026-01-09. Review status: criteria provided, single submitter. Criteria: Invitae Variant Classification Sherloc (09022015). Collection method: clinical testing. Allele origin: germline.
Comment: This sequence change affects an acceptor splice site in intron 26 of the PHKA2 gene. It is expected to disrupt RNA splicing. Variants that disrupt the donor or acceptor splice site typically lead to a loss of protein function (PMID: 16199547), and loss-of-function variants in PHKA2 are known to be pathogenic (PMID: 7711737, 10330341). This variant is not present in population databases (gnomAD no frequency). This variant has not been reported in the literature in individuals affected with PHKA2-related conditions. Algorithms developed to predict the effect of sequence changes on RNA splicing suggest that this variant may disrupt the consensus splice site. In summary, the currently available evidence indicates that the variant is pathogenic, but additional data are needed to prove that conclusively. Therefore, this variant has been classified as Likely Pathogenic.

Literature cited by the submitters: PubMed 16199547; PubMed 7711737; PubMed 10330341.

NM_000292.3(PHKA2):c.2909-1G>T

Gene: PHKA2 (phosphorylase kinase regulatory subunit alpha 2; minus strand). Cytogenetic location: Xp22.13.
Variant type: single nucleotide variant.
Coding change: c.2909-1G>T on transcript NM_000292.3 (MANE Select); the canonical splice acceptor site of the intron before coding-DNA position 2909, G replaced by T.
Molecular consequence: splice acceptor variant.
Genome position (GRCh38, 1-based): chrX:18,901,604, C>A on the plus strand (G>T on the coding strand, the complement: PHKA2 is on the minus strand). VCF-style: chrX-18901604-C-A. GRCh37 (hg19) VCF-style: chrX-18919722-C-A.
Other names: c.2810-1G>T (NM_001440804.1, NM_001440803.1, NM_001440802.1); c.2909-1G>T (NM_001440801.1, NM_001440800.1, NM_001440805.1).
Identifiers: ClinVar variation 4779088 (VCV004779088.1).